The following is an entry in ClinVar:

ClinVar aggregate classification (germline): Uncertain significance. Review status: criteria provided, multiple submitters, no conflicts (2 of 4 stars). 2 submissions from 2 submitters: Uncertain significance (2). Last evaluated 2023-07-05.

Conditions:
Inborn genetic diseases. Identifiers: MedGen C0950123, MeSH D030342.

Allele frequency attached by ClinVar (database versions not stated): ExAC 0.00002; gnomAD 0.00003; gnomAD exomes 0.00003; ESP Exome Variant Server 0.00015.
gnomAD v4.1: 80 of 1,614,044 alleles (0.005%); highest among the groups gnomAD compares: East Asian, 0.0067%; no homozygotes.

Submissions (2):

Ambry Genetics
Classification: Uncertain significance for Inborn genetic diseases. Last evaluated: 2023-07-05. Review status: criteria provided, single submitter. Criteria: Ambry Variant Classification Scheme 2023. Collection method: clinical testing. Allele origin: germline.

Labcorp Genetics (formerly Invitae), Labcorp
Classification: Uncertain significance. Last evaluated: 2022-07-02. Review status: criteria provided, single submitter. Criteria: Invitae Variant Classification Sherloc (09022015). Collection method: clinical testing. Allele origin: germline.
Comment: This sequence change replaces arginine, which is basic and polar, with histidine, which is basic and polar, at codon 470 of the ADAMTSL4 protein (p.Arg470His). This variant is present in population databases (rs137999265, gnomAD 0.01%). This variant has not been reported in the literature in individuals affected with ADAMTSL4-related conditions. ClinVar contains an entry for this variant (Variation ID: 1396282). Algorithms developed to predict the effect of missense changes on protein structure and function output the following: SIFT: "Tolerated"; PolyPhen-2: "Benign"; Align-GVGD: "Class C0". The histidine amino acid residue is found in multiple mammalian species, which suggests that this missense change does not adversely affect protein function. In summary, the available evidence is currently insufficient to determine the role of this variant in disease. Therefore, it has been classified as a Variant of Uncertain Significance.

NM_019032.6(ADAMTSL4):c.1409G>A (p.Arg470His)

Genes: ADAMTSL4 (ADAMTS like 4; plus strand), ADAMTSL4-AS2 (ADAMTSL4 antisense RNA 2; minus strand). Cytogenetic location: 1q21.2.
Variant type: single nucleotide variant.
Coding change: c.1409G>A on transcript NM_019032.6 (MANE Select); coding-DNA position 1409, G replaced by A.
Protein change: p.Arg470His; replaces arginine 470 with histidine.
Molecular consequence: missense variant.
Genome position (GRCh38, 1-based): chr1:150,556,199, G>A. VCF-style: chr1-150556199-G-A. GRCh37 (hg19) VCF-style: chr1-150528675-G-A.
Other names: c.1478G>A, p.Arg493His (NM_001288607.2, NM_001288608.2); c.1409G>A, p.Arg470His (NM_001378596.1, NM_025008.5); c.1409G>A (NM_019032.4); short protein forms R493H, R470H.
Identifiers: ClinVar variation 1396282 (VCV001396282.5), dbSNP rs137999265, ClinGen allele CA1078268.
Genomic context (GRCh38, chr1:150,556,199, plus strand): 5'-CTGCCTCACCTCACTCTCTCCAGAGCCCCGGCTGTGATGGGATCCTTGGCTCTGGCAGGC[G>A]TCCTGATGGCTGTGGAGTCTGTGGGGGTGATGATTCTACCTGTCGCCTTGTTTCGGGGAA-3'
Protein context (NP_061905.2, residues 460-480): GCDGILGSGR[Arg470His]PDGCGVCGGD